The following is an entry in ClinVar:

ClinVar aggregate classification (germline): Conflicting classifications of pathogenicity. Review status: criteria provided, conflicting classifications (1 of 4 stars). 2 submissions from 2 submitters: Likely pathogenic (1); Uncertain significance (1). Last evaluated 2025-03-17.

Conditions:
Inborn genetic diseases. Identifiers: MedGen C0950123, MeSH D030342.
Charcot-Marie-Tooth disease axonal type 2F (CMT2F). Also called: Charcot-Marie-Tooth Neuropathy Type 2F; CHARCOT-MARIE-TOOTH DISEASE, NEURONAL, TYPE 2F. Identifiers: Orphanet 99940, MedGen C1847823, MONDO:0011687, OMIM 606595.

Allele frequency attached by ClinVar (database versions not stated): gnomAD exomes below 0.00001; TOPMed 0.00001; gnomAD 0.00002.

Submissions (2):

Labcorp Genetics (formerly Invitae), Labcorp
Classification: Uncertain significance for Charcot-Marie-Tooth disease axonal type 2F. Last evaluated: 2025-03-17. Review status: criteria provided, single submitter. Criteria: Invitae Variant Classification Sherloc (09022015). Collection method: clinical testing. Allele origin: germline.
Comment: This sequence change affects the initiator methionine of the HSPB1 mRNA. The next in-frame methionine is located at codon 169. This variant is present in population databases (no rsID available, gnomAD 0.0008%). This variant has not been reported in the literature in individuals affected with HSPB1-related conditions. ClinVar contains an entry for this variant (Variation ID: 934124). In summary, the available evidence is currently insufficient to determine the role of this variant in disease. Therefore, it has been classified as a Variant of Uncertain Significance.

Ambry Genetics
Classification: Likely pathogenic for Inborn genetic diseases. Last evaluated: 2019-12-11. Review status: criteria provided, single submitter. Criteria: Ambry Variant Classification Scheme 2023. Collection method: clinical testing. Allele origin: germline.
Comment: The p.M1? variant (also known as c.3G>A) is located in coding exon 1 of the HSPB1 gene and results from a G to A substitution at nucleotide position 3. This alters the methionine residue at the initiation codon. There is an in-frame methionine 169 amino acids downstream from this initiation site which, if used, may result in an N-terminal truncation impacting the alpha-crystallin domain of HSPB1 which is thought to be crucial for the overall structure of small heat shock proteins; however, direct evidence is unavailable (Benndorf R et al. Mutat Res Rev Mutat Res 2014 pii: S1383-5742(14)00018-0). Since sequence variations that modify the initiation codon (ATG) are expected to result in either loss of translation initiation, N-terminal truncation, or cause a shift in the mRNA reading frame, this alteration is interpreted as likely pathogenic.

Literature cited by the submitters: PubMed 24607769 (cited by Ambry Genetics).

NM_001540.5(HSPB1):c.3G>A (p.Met1Ile)

Gene: HSPB1 (heat shock protein family B (small) member 1; plus strand). Cytogenetic location: 7q11.23.
Variant type: single nucleotide variant.
Coding change: c.3G>A on transcript NM_001540.5 (MANE Select); coding-DNA position 3, G replaced by A.
Protein change: p.Met1Ile; changes the start codon (methionine 1).
Molecular consequence: missense variant, initiator codon variant.
Genome position (GRCh38, 1-based): chr7:76,302,715, G>A. VCF-style: chr7-76302715-G-A. GRCh37 (hg19) VCF-style: chr7-75932032-G-A.
Other names: short protein forms M1I.
Identifiers: ClinVar variation 934124 (VCV000934124.12), dbSNP rs1173242313, ClinGen allele CA367762603.